The following is an entry in ClinVar:

NM_001364171.2(ODAD1):c.1581+4A>G

Gene: ODAD1 (outer dynein arm docking complex subunit 1; minus strand). Cytogenetic location: 19q13.33.
Variant type: single nucleotide variant.
Coding change: c.1581+4A>G on transcript NM_001364171.2 (MANE Select); 4 bases into the intron after coding-DNA position 1581, A replaced by G.
Molecular consequence: intron variant.
Genome position (GRCh38, 1-based): chr19:48,297,586, T>C on the plus strand (A>G on the coding strand, the complement: ODAD1 is on the minus strand). VCF-style: chr19-48297586-T-C. GRCh37 (hg19) VCF-style: chr19-48800843-T-C.
Other names: c.1470+4A>G (NM_144577.4).
Identifiers: ClinVar variation 241870 (VCV000241870.4), dbSNP rs759409470, ClinGen allele CA9548642.

ClinVar aggregate classification (germline): Uncertain significance (1 of 4 stars; one submission).

Conditions:
Primary ciliary dyskinesia. Also called: Ciliary dyskinesia. Identifiers: Orphanet 244, MedGen C0008780, MONDO:0016575, HP:0012265.

Allele frequency attached by ClinVar (database versions not stated): ExAC 0.00001; gnomAD exomes 0.00001; TOPMed 0.00001; gnomAD 0.00003.
gnomAD v4.1: 25 of 1,554,760 alleles (0.0016%); highest among the groups gnomAD compares: Non-Finnish European, 0.0017%; no homozygotes.

Submission:

Labcorp Genetics (formerly Invitae), Labcorp
Classification: Uncertain significance for Primary ciliary dyskinesia. Last evaluated: 2016-02-15. Review status: criteria provided, single submitter. Criteria: Invitae Variant Classification Sherloc (09022015). Collection method: clinical testing. Allele origin: germline.
Comment: This variant affects a highly conserved nucleotide within the consensus splice site of intron 13 The majority of introns (73%) have an A at this position (PMID: 9536098). This variant is present in population databases (rs759409470, ExAC 0.002%) but has not been reported in the literature in individuals with a CCDC114-related disease. Algorithms developed to predict the effect of sequence changes on mRNA splicing suggest that this variant may alter mRNA splicing, but this prediction has not been confirmed by published transcriptional studies. In summary, this is a rare intronic change with uncertain impact on splicing. It has been classified as a Variant of Uncertain Significance.

Literature cited by the submitters: PubMed 9536098.